The following is an entry in ClinVar:

NM_001875.5(CPS1):c.1164+1G>A

Gene: CPS1 (carbamoyl-phosphate synthase 1; plus strand). Cytogenetic location: 2q34.
Variant type: single nucleotide variant.
Coding change: c.1164+1G>A on transcript NM_001875.5 (MANE Select); the canonical splice donor site of the intron after coding-DNA position 1164, G replaced by A.
Molecular consequence: splice donor variant.
Genome position (GRCh38, 1-based): chr2:210,592,957, G>A. VCF-style: chr2-210592957-G-A. GRCh37 (hg19) VCF-style: chr2-211457681-G-A.
Other names: c.1164+1G>A (NM_001369257.1, NM_001122633.3); c.1197+1G>A (NM_001369256.1).
Identifiers: ClinVar variation 2734364 (VCV002734364.3), dbSNP rs2469127879, ClinGen allele CA350431023.

ClinVar aggregate classification (germline): Likely pathogenic (1 of 4 stars; one submission).

Conditions:
Congenital hyperammonemia, type I. Also called: CPS I DEFICIENCY; Carbamoyl phosphate synthetase 1 deficiency; Hyperammonemia due to carbamoyl phosphate synthetase 1 deficiency; CPS 1 deficiency; Carbamyl phosphate synthetase (CPS) deficiency; Carbamoyl phosphate synthetase I deficiency disease. Identifiers: Orphanet 147, MedGen C4082171, MONDO:0009376, OMIM 237300.

Allele frequency attached by ClinVar (database versions not stated): gnomAD exomes below 0.00001.
gnomAD v4.1: 2 of 1,611,292 alleles (0.00012%); highest among the groups gnomAD compares: Non-Finnish European, 0.00017%; no homozygotes.

Submission:

Labcorp Genetics (formerly Invitae), Labcorp
Classification: Likely pathogenic for Congenital hyperammonemia, type I. Last evaluated: 2023-11-04. Review status: criteria provided, single submitter. Criteria: Invitae Variant Classification Sherloc (09022015). Collection method: clinical testing. Allele origin: germline.
Comment: This sequence change affects a donor splice site in intron 11 of the CPS1 gene. It is expected to disrupt RNA splicing. Variants that disrupt the donor or acceptor splice site typically lead to a loss of protein function (PMID: 16199547), and loss-of-function variants in CPS1 are known to be pathogenic (PMID: 21120950). This variant is not present in population databases (gnomAD no frequency). Disruption of this splice site has been observed in individual(s) with clinical features of CPS1-related disorders (PMID: 21120950). Algorithms developed to predict the effect of sequence changes on RNA splicing suggest that this variant may disrupt the consensus splice site. In summary, the currently available evidence indicates that the variant is pathogenic, but additional data are needed to prove that conclusively. Therefore, this variant has been classified as Likely Pathogenic.

Literature cited by the submitters: PubMed 16199547; PubMed 21120950.